The following is an entry in ClinVar:

ClinVar aggregate classification (germline): Uncertain significance (1 of 4 stars; one submission).

Conditions:
Fabry disease. Also called: ALPHA-GALACTOSIDASE A DEFICIENCY; ANDERSON-FABRY DISEASE; CERAMIDE TRIHEXOSIDASE DEFICIENCY; GLA DEFICIENCY; HEREDITARY DYSTOPIC LIPIDOSIS; Angiokeratoma corporis diffusum. Identifiers: Orphanet 324, MedGen C0002986, MONDO:0010526, OMIM 301500, HP:0001071. Disease mechanism: Fabry disease is due to inactivating mutations in the X-linked GLA gene resulting in deficiency of the enzyme Alpha Galactosidase-A., loss of function.

Submission:

Genomenon, Inc
Classification: Uncertain significance for Fabry disease. Last evaluated: 2026-09-08. Review status: criteria provided, single submitter. Criteria: Genomenon Sequence Variant Interpretation Standards - Updated. Collection method: curation. Allele origin: germline. Affected: no.
Comment: GLA p.Glu251Gln (c.751G>C) is a missense variant that changes the amino acid at codon 251 from Glutamic acid to Glutamine. This variant has been reported in the published literature (PMID:29700822). It is absent or not present at a significant frequency in gnomAD. In silico models predict that this variant is not damaging. In conclusion, we classify GLA p.Glu251Gln (c.751G>C) as a variant of uncertain significance.

Literature cited by the submitters: PubMed 29700822.

NM_000169.3(GLA):c.751G>C (p.Glu251Gln)

Genes: GLA (galactosidase alpha; minus strand), RPL36A-HNRNPH2 (RPL36A-HNRNPH2 readthrough; plus strand). Cytogenetic location: Xq22.1.
Variant type: single nucleotide variant.
Coding change: c.751G>C on transcript NM_000169.3 (MANE Select); coding-DNA position 751, G replaced by C.
Protein change: p.Glu251Gln; replaces glutamic acid 251 with glutamine.
Molecular consequence: missense variant. On other transcripts: non-coding transcript variant (3), intron variant (2).
Genome position (GRCh38, 1-based): chrX:101,398,835, C>G on the plus strand (G>C on the coding strand, the complement: GLA is on the minus strand). VCF-style: chrX-101398835-C-G. GRCh37 (hg19) VCF-style: chrX-100653823-C-G.
Other names: c.874G>C, p.Glu292Gln (NM_001406747.1); c.751G>C, p.Glu251Gln (NM_001406748.1); c.300+3378C>G (NM_001199973.2); c.177+7013C>G (NM_001199974.2); short protein forms E251Q, E292Q.
Identifiers: ClinVar variation 4087494 (VCV004087494.2).
Genomic context (GRCh38, chrX:101,398,835, plus strand): 5'-AAGTTTTTACCATATCTGGGTCATTCCAACCCCCTGGTCCAGCAACATCAACAATTCTCT[C>G]CTGGTTAAAAGATGTCCAGTCCAAGATACTCTTTATACTTTTCCAGGAATCATCAATGTC-3'
Protein context (NP_000160.1, residues 241-261): SILDWTSFNQ[Glu251Gln]RIVDVAGPGG